The following is an entry in ClinVar:

NM_005027.4(PIK3R2):c.1840C>T (p.Leu614Phe)

Gene: PIK3R2 (phosphoinositide-3-kinase regulatory subunit 2; plus strand). Cytogenetic location: 19p13.11.
Variant type: single nucleotide variant.
Coding change: c.1840C>T on transcript NM_005027.4 (MANE Select); coding-DNA position 1840, C replaced by T.
Protein change: p.Leu614Phe; replaces leucine 614 with phenylalanine.
Molecular consequence: missense variant. On other transcripts: non-coding transcript variant (2).
Genome position (GRCh38, 1-based): chr19:18,168,757, C>T. VCF-style: chr19-18168757-C-T. GRCh37 (hg19) VCF-style: chr19-18279567-C-T.
Other names: short protein forms L614F.
Identifiers: ClinVar variation 3712143 (VCV003712143.2).

ClinVar aggregate classification (germline): Uncertain significance (1 of 4 stars; one submission).

Conditions:
Megalencephaly-polymicrogyria-postaxial polydactyly-hydrocephalus syndrome. Also called: MPPH Syndrome; MEG-PMG-MEGACC SYNDROME. Identifiers: Orphanet 83473, MedGen C1863924, MONDO:0019375.

gnomAD v4.1: 3 of 1,610,474 alleles (0.00019%); highest among the groups gnomAD compares: Non-Finnish European, 0.00025%; no homozygotes.

Submission:

Labcorp Genetics (formerly Invitae), Labcorp
Classification: Uncertain significance for Megalencephaly-polymicrogyria-postaxial polydactyly-hydrocephalus syndrome. Last evaluated: 2024-11-05. Review status: criteria provided, single submitter. Criteria: Invitae Variant Classification Sherloc (09022015). Collection method: clinical testing. Allele origin: germline.
Comment: This sequence change replaces leucine, which is neutral and non-polar, with phenylalanine, which is neutral and non-polar, at codon 614 of the PIK3R2 protein (p.Leu614Phe). This variant is present in population databases (no rsID available, gnomAD 0.0009%). This variant has not been reported in the literature in individuals affected with PIK3R2-related conditions. Invitae Evidence Modeling of protein sequence and biophysical properties (such as structural, functional, and spatial information, amino acid conservation, physicochemical variation, residue mobility, and thermodynamic stability) indicates that this missense variant is not expected to disrupt PIK3R2 protein function with a negative predictive value of 80%. In summary, the available evidence is currently insufficient to determine the role of this variant in disease. Therefore, it has been classified as a Variant of Uncertain Significance.